The following is an entry in ClinVar:

NM_080425.4(GNAS):c.581T>C (p.Val194Ala)

Gene: GNAS (GNAS complex locus; plus strand). Cytogenetic location: 20q13.32.
Variant type: single nucleotide variant.
Coding change: c.581T>C on transcript NM_080425.4 (MANE Plus Clinical); coding-DNA position 581, T replaced by C.
Protein change: p.Val194Ala; replaces valine 194 with alanine.
Molecular consequence: missense variant. On other transcripts: intron variant (3).
Genome position (GRCh38, 1-based): chr20:58,853,846, T>C. VCF-style: chr20-58853846-T-C. GRCh37 (hg19) VCF-style: chr20-57428901-T-C.
Other names: c.581T>C, p.Val194Ala (NM_001410913.1); c.*42+12960T>C (NM_016592.5); c.43+12960T>C (NM_001410912.1); c.-39+11971T>C (NM_001309861.2); c.394T>C, p.Ser132Pro (NM_001077490.3, NM_001309883.1); short protein forms S132P, V194A.
Identifiers: ClinVar variation 3035414 (VCV003035414.3), dbSNP rs750986676, ClinGen allele CA9926496.

ClinVar aggregate classification (germline): Uncertain significance (1 of 4 stars; one submission).

Conditions:
GNAS-related disorder. Identifiers: MedGen CN380105.

Allele frequency attached by ClinVar (database versions not stated): ExAC 0.00005; gnomAD 0.00001; gnomAD exomes 0.00002; TOPMed 0.00002.
gnomAD v4.1: 33 of 1,593,466 alleles (0.0021%); highest among the groups gnomAD compares: Non-Finnish European, 0.0027%; no homozygotes.

Submission:

PreventionGenetics, part of Exact Sciences
Classification: Uncertain significance for GNAS-related condition. Last evaluated: 2026-05-26. Review status: criteria provided, single submitter. Criteria: ACMG Guidelines, 2015. Collection method: clinical testing. Allele origin: germline.
Comment: The GNAS c.581T>C variant is predicted to result in the amino acid substitution p.Val194Ala. This variant corresponds to a pre-coding position in the primary transcript for this gene (NM_000516.7: c.-37881T>C). To our knowledge, this variant has not been reported in the literature. This variant is reported in 0.0066% of alleles in individuals of European (Non-Finnish) descent in gnomAD v2 (as displayed in the table above). However, in gnomAD v4 (available only on GRCh38), this variant is reported in 33 alleles globally, which may be too common to be an undocumented primary cause of disease. Although we suspect that this variant may be benign, at this time, the clinical significance of this variant is uncertain due to the absence of conclusive functional and genetic evidence.